The following is an entry in ClinVar:

NM_182914.3(SYNE2):c.28G>A (p.Glu10Lys)

Gene: SYNE2 (spectrin repeat containing nuclear envelope protein 2; plus strand). Cytogenetic location: 14q23.2.
Variant type: single nucleotide variant.
Coding change: c.28G>A on transcript NM_182914.3 (MANE Select); coding-DNA position 28, G replaced by A.
Protein change: p.Glu10Lys; replaces glutamic acid 10 with lysine.
Molecular consequence: missense variant.
Genome position (GRCh38, 1-based): chr14:63,909,176, G>A. VCF-style: chr14-63909176-G-A. GRCh37 (hg19) VCF-style: chr14-64375894-G-A.
Other names: c.28G>A, p.Glu10Lys (NM_015180.6); short protein forms E10K.
Identifiers: ClinVar variation 1434405 (VCV001434405.6), dbSNP rs781375790, ClinGen allele CA7218964.

ClinVar aggregate classification (germline): Uncertain significance (1 of 4 stars; one submission).

Conditions:
Emery-Dreifuss muscular dystrophy 5, autosomal dominant (EDMD5). Also called: EMERY-DREIFUSS MUSCULAR DYSTROPHY 5. Identifiers: Orphanet 261, MedGen C2751805, MONDO:0013072, OMIM 612999.

Allele frequency attached by ClinVar (database versions not stated): gnomAD exomes 0.00001; ExAC 0.00002.
gnomAD v4.1: 7 of 1,613,114 alleles (0.00043%); highest among the groups gnomAD compares: Middle Eastern, 0.017%; no homozygotes.

Submission:

Labcorp Genetics (formerly Invitae), Labcorp
Classification: Uncertain significance for Emery-Dreifuss muscular dystrophy 5, autosomal dominant. Last evaluated: 2022-04-07. Review status: criteria provided, single submitter. Criteria: Invitae Variant Classification Sherloc (09022015). Collection method: clinical testing. Allele origin: germline.
Comment: In summary, the available evidence is currently insufficient to determine the role of this variant in disease. Therefore, it has been classified as a Variant of Uncertain Significance. Algorithms developed to predict the effect of missense changes on protein structure and function output the following: SIFT: "Tolerated"; PolyPhen-2: "Benign"; Align-GVGD: "Class C0". The lysine amino acid residue is found in multiple mammalian species, which suggests that this missense change does not adversely affect protein function. This variant has not been reported in the literature in individuals affected with SYNE2-related conditions. This variant is present in population databases (rs781375790, gnomAD 0.006%). This sequence change replaces glutamic acid, which is acidic and polar, with lysine, which is basic and polar, at codon 10 of the SYNE2 protein (p.Glu10Lys).